The following is an entry in ClinVar:

NM_001194998.2(CEP152):c.2593C>A (p.Arg865=)

Gene: CEP152 (centrosomal protein 152; minus strand). Cytogenetic location: 15q21.1.
Variant type: single nucleotide variant.
Coding change: c.2593C>A on transcript NM_001194998.2 (MANE Select); coding-DNA position 2593, C replaced by A.
Protein change: p.Arg865=; no amino-acid change (arginine 865 retained).
Molecular consequence: synonymous variant.
Genome position (GRCh38, 1-based): chr15:48,760,236, G>T on the plus strand (C>A on the coding strand, the complement: CEP152 is on the minus strand). VCF-style: chr15-48760236-G-T. GRCh37 (hg19) VCF-style: chr15-49052433-G-T.
Other names: c.2593C>A, p.Arg865= (NM_014985.4).
Identifiers: ClinVar variation 668460 (VCV000668460.2), dbSNP rs765317927, ClinGen allele CA7548517.

ClinVar aggregate classification (germline): Likely benign. Review status: criteria provided, multiple submitters, no conflicts (2 of 4 stars). 2 submissions from 2 submitters: Likely benign (2). Last evaluated 2024-06-12.

Allele frequency attached by ClinVar (database versions not stated): gnomAD 0.00001; ExAC 0.00004.
gnomAD v4.1: 44 of 1,613,900 alleles (0.0027%); highest among the groups gnomAD compares: Non-Finnish European, 0.00059%; no homozygotes.

Submissions (2):

Blueprint Genetics
Classification: Likely benign. Last evaluated: 2024-06-12. Review status: criteria provided, single submitter. Criteria: ACMG Guidelines, 2015. Collection method: clinical testing. Allele origin: germline.

GeneDx
Classification: Likely benign. Last evaluated: 2018-05-18. Review status: criteria provided, single submitter. Criteria: GeneDx Variant Classification (06012015). Collection method: clinical testing. Allele origin: germline. Affected: yes.
Comment: This variant is considered likely benign or benign based on one or more of the following criteria: it is a conservative change, it occurs at a poorly conserved position in the protein, it is predicted to be benign by multiple in silico algorithms, and/or has population frequency not consistent with disease.